The following is an entry in ClinVar:

NM_000535.7(PMS2):c.301G>A (p.Val101Ile)

Gene: PMS2 (PMS1 homolog 2, mismatch repair system component; minus strand). Cytogenetic location: 7p22.1.
Variant type: single nucleotide variant.
Coding change: c.301G>A on transcript NM_000535.7 (MANE Select); coding-DNA position 301, G replaced by A.
Protein change: p.Val101Ile; replaces valine 101 with isoleucine.
Molecular consequence: missense variant. On other transcripts: 5 prime UTR variant (9), non-coding transcript variant (1), intron variant (2).
Genome position (GRCh38, 1-based): chr7:6,003,742, C>T on the plus strand (G>A on the coding strand, the complement: PMS2 is on the minus strand). VCF-style: chr7-6003742-C-T. GRCh37 (hg19) VCF-style: chr7-6043373-C-T.
Other names: c.-105G>A (NM_001018040.1, NM_001322003.2, NM_001322004.2 and 14 more transcripts); c.301G>A, p.Val101Ile (NM_001322006.2, NM_001322014.2, NM_001406869.1 and 8 more transcripts); c.-584G>A (NM_001322011.2, NM_001322012.2); c.-184G>A (NM_001322015.2, NM_001406875.1, NM_001406877.1 and 3 more transcripts); c.487G>A, p.Val163Ile (NM_001406866.1); c.325G>A, p.Val109Ile (NM_001406868.1); c.-95G>A (NM_001406890.1); c.35+230G>A (NM_001322008.2, NM_001322007.2); short protein forms V163I, V101I, V109I.
Identifiers: ClinVar variation 1798899 (VCV001798899.2), dbSNP rs2128826973, ClinGen allele CA366744627.

ClinVar aggregate classification (germline): Uncertain significance (1 of 4 stars; one submission).

Conditions:
Hereditary cancer-predisposing syndrome. Also called: Neoplastic Syndromes, Hereditary; Tumor predisposition; Hereditary Cancer Syndrome; Hereditary neoplastic syndrome. Identifiers: Orphanet 140162, MedGen C0027672, MeSH D009386, MONDO:0015356.

Submission:

Ambry Genetics
Classification: Uncertain significance for Hereditary cancer-predisposing syndrome. Last evaluated: 2019-09-03. Review status: criteria provided, single submitter. Criteria: Ambry Variant Classification Scheme 2023. Collection method: clinical testing. Allele origin: germline.
Comment: The p.V101I variant (also known as c.301G>A), located in coding exon 4 of the PMS2 gene, results from a G to A substitution at nucleotide position 301. The valine at codon 101 is replaced by isoleucine, an amino acid with highly similar properties. This amino acid position is highly conserved in available vertebrate species. In addition, the in silico prediction for this alteration is inconclusive. Since supporting evidence is limited at this time, the clinical significance of this alteration remains unclear.